The following is an entry in ClinVar:

ClinVar aggregate classification (germline): Uncertain significance (1 of 4 stars; one submission).

Conditions:
Waardenburg syndrome type 2E (WS2E). Also called: WAARDENBURG SYNDROME, TYPE 2E, WITH OR WITHOUT NEUROLOGIC INVOLVEMENT; WS2E, WITH OR WITHOUT NEUROLOGIC INVOLVEMENT; HYPOGONADOTROPIC HYPOGONADISM WITH ANOSMIA AND DEAFNESS, WITH OR WITHOUT HYPOPIGMENTATION. Identifiers: Orphanet 3440, MedGen C2700405, MONDO:0012698, OMIM 611584.

Submission:

Neuberg Centre For Genomic Medicine, NCGM
Classification: Uncertain significance for Waardenburg syndrome type 2E. Review status: criteria provided, single submitter. Criteria: ACMG Guidelines, 2015. Collection method: clinical testing. Allele origin: germline. Affected: yes.
Comment: The missense variant p.S135I in SOX10 (NM_006941.4) has not been reported previously as a pathogenic or a benign variant. Another missense variant at the same residue Ser135Thr has been reportedd in a mild form of Waardenburg syndrome (Bondurand, N et al). The p.S135I variant is novel (not in any individuals) in gnomAD Exomes and is novel (not in any individuals) in 1000 Genomes. The p.S135I missense variant is predicted to be damaging by both SIFT and PolyPhen2. The nucleotide c.404_405delGCinsTT in SOX10 is predicted conserved by GERP++ and PhyloP across 100 vertebrates. For these reasons, this variant has been classified as Uncertain Significance.

NM_006941.4(SOX10):c.404_405delinsTT (p.Ser135Ile)

Genes: POLR2F (RNA polymerase II, I and III subunit F; plus strand), SOX10 (SRY-box transcription factor 10; minus strand). Cytogenetic location: 22q13.1.
Variant type: Indel.
Coding change: c.404_405delinsTT on transcript NM_006941.4 (MANE Select); coding-DNA positions 404 to 405, GC replaced by TT.
Protein change: p.Ser135Ile; replaces serine 135 with isoleucine.
Molecular consequence: missense variant. On other transcripts: intron variant (3).
Genome position (GRCh38, 1-based): chr22:37,983,380-37,983,381, GC replaced by AA on the plus strand (GC replaced by TT on the coding strand, the reverse complement: SOX10 is on the minus strand). VCF-style: chr22-37983380-GC-AA. GRCh37 (hg19) VCF-style: chr22-38379387-GC-AA.
Other names: c.404_405delGCinsTT (NM_006941.4); c.*38+11070_*38+11071delinsAA (NM_001363825.1); c.294-2774_294-2773delinsAA (NM_001301130.2); c.293+16210_293+16211delinsAA (NM_001301131.2); short protein forms S135I.
Identifiers: ClinVar variation 1878656 (VCV001878656.1), dbSNP rs2518052301, ClinGen allele CA2580099764.